The following is an entry in ClinVar:

NM_006012.4(CLPP):c.521G>A (p.Arg174His)

Gene: CLPP (caseinolytic mitochondrial matrix peptidase proteolytic subunit; plus strand). Cytogenetic location: 19p13.3.
Variant type: single nucleotide variant.
Coding change: c.521G>A on transcript NM_006012.4 (MANE Select); coding-DNA position 521, G replaced by A.
Protein change: p.Arg174His; replaces arginine 174 with histidine.
Molecular consequence: missense variant.
Genome position (GRCh38, 1-based): chr19:6,364,605, G>A. VCF-style: chr19-6364605-G-A. GRCh37 (hg19) VCF-style: chr19-6364616-G-A.
Other names: short protein forms R174H.
Identifiers: ClinVar variation 2013256 (VCV002013256.4), dbSNP rs774708367, ClinGen allele CA9122935.

ClinVar aggregate classification (germline): Uncertain significance (1 of 4 stars; one submission).

Allele frequency attached by ClinVar (database versions not stated): TOPMed below 0.00001; ExAC 0.00003.
gnomAD v4.1: 9 of 1,612,562 alleles (0.00056%); highest among the groups gnomAD compares: Admixed American, 0.0017%; no homozygotes.

Submission:

Labcorp Genetics (formerly Invitae), Labcorp
Classification: Uncertain significance. Last evaluated: 2022-07-02. Review status: criteria provided, single submitter. Criteria: Invitae Variant Classification Sherloc (09022015). Collection method: clinical testing. Allele origin: germline.
Comment: In summary, the available evidence is currently insufficient to determine the role of this variant in disease. Therefore, it has been classified as a Variant of Uncertain Significance. Algorithms developed to predict the effect of missense changes on protein structure and function (SIFT, PolyPhen-2, Align-GVGD) all suggest that this variant is likely to be disruptive. This variant has not been reported in the literature in individuals affected with CLPP-related conditions. This variant is present in population databases (rs774708367, gnomAD 0.005%). This sequence change replaces arginine, which is basic and polar, with histidine, which is basic and polar, at codon 174 of the CLPP protein (p.Arg174His).